The following is an entry in ClinVar:

NM_005476.7(GNE):c.1234G>A (p.Val412Ile)

Gene: GNE (glucosamine (UDP-N-acetyl)-2-epimerase/N-acetylmannosamine kinase; minus strand). Cytogenetic location: 9p13.3.
Variant type: single nucleotide variant.
Coding change: c.1234G>A on transcript NM_005476.7 (MANE Select); coding-DNA position 1234, G replaced by A.
Protein change: p.Val412Ile; replaces valine 412 with isoleucine.
Molecular consequence: missense variant.
Genome position (GRCh38, 1-based): chr9:36,227,295, C>T on the plus strand (G>A on the coding strand, the complement: GNE is on the minus strand). VCF-style: chr9-36227295-C-T. GRCh37 (hg19) VCF-style: chr9-36227292-C-T.
Other names: c.1327G>A, p.Val443Ile (NM_001128227.3); c.1234G>A, p.Val412Ile (NM_001190383.3); c.904G>A, p.Val302Ile (NM_001190384.3); c.1057G>A, p.Val353Ile (NM_001190388.2, NM_001374798.1); c.1081G>A, p.Val361Ile (NM_001374797.1); short protein forms V443I, V412I, V302I, V353I, V361I.
Identifiers: ClinVar variation 290219 (VCV000290219.16), dbSNP rs369714039, ClinGen allele CA5056555.

ClinVar aggregate classification (germline): Conflicting classifications of pathogenicity. Review status: criteria provided, conflicting classifications (1 of 4 stars). 7 submissions from 6 submitters: Uncertain significance (5); Benign (1). 1 of the submissions does not count toward it. Last evaluated 2026-01-19.

Conditions:
GNE myopathy (NM). Also called: IBM 2; Inclusion body myopathy autosomal recessive; Inclusion body myopathy quadriceps sparing; NONAKA DISTAL MYOPATHY; INCLUSION BODY MYOPATHY, HEREDITARY, AUTOSOMAL RECESSIVE; INCLUSION BODY MYOPATHY 2, AUTOSOMAL RECESSIVE. Identifiers: Orphanet 602, MedGen C1853926, MONDO:0011603, OMIM 605820.
Sialuria. Also called: SIALURIA, FRENCH TYPE; Sialic Acid Storage Disease. Identifiers: Orphanet 3166, MedGen C0342853, MONDO:0010028, OMIM 269921.

Allele frequency attached by ClinVar (database versions not stated): ExAC 0.00002; gnomAD 0.00004; gnomAD exomes 0.00006 and 0.00007; TOPMed 0.00006; ESP Exome Variant Server 0.00008.
gnomAD v4.1: 95 of 1,613,474 alleles (0.0059%); highest among the groups gnomAD compares: East Asian, 0.082%; no homozygotes.

Submissions (7):

Labcorp Genetics (formerly Invitae), Labcorp
Classification: Uncertain significance for Sialuria; GNE myopathy. Last evaluated: 2026-01-19. Review status: criteria provided, single submitter. Criteria: Invitae Variant Classification Sherloc (09022015). Collection method: clinical testing. Allele origin: germline.
Comment: This sequence change replaces valine, which is neutral and non-polar, with isoleucine, which is neutral and non-polar, at codon 443 of the GNE protein (p.Val443Ile). This variant is present in population databases (rs369714039, gnomAD 0.02%). This variant has not been reported in the literature in individuals affected with GNE-related conditions. ClinVar contains an entry for this variant (Variation ID: 290219). Invitae Evidence Modeling of protein sequence and biophysical properties (such as structural, functional, and spatial information, amino acid conservation, physicochemical variation, residue mobility, and thermodynamic stability) has been performed for this missense variant. However, the output from this modeling did not meet the statistical confidence thresholds required to predict the impact of this variant on GNE protein function. In summary, the available evidence is currently insufficient to determine the role of this variant in disease. Therefore, it has been classified as a Variant of Uncertain Significance.

GeneDx
Classification: Uncertain significance. Last evaluated: 2023-02-09. Review status: criteria provided, single submitter. Criteria: GeneDx Variant Classification Process June 2021. Collection method: clinical testing. Allele origin: germline. Affected: yes.
Comment: In silico analysis supports that this missense variant does not alter protein structure/function; Has not been previously published as pathogenic or benign to our knowledge

Revvity Omics, Revvity
Classification: Uncertain significance. Last evaluated: 2022-07-12. Review status: criteria provided, single submitter. Criteria: ACMG Guidelines, 2015. Collection method: clinical testing. Allele origin: germline.

Illumina Laboratory Services, Illumina
Classification: Benign for Sialuria. Last evaluated: 2017-05-22. Review status: criteria provided, single submitter. Criteria: ICSL Variant Classification Criteria 13 December 2019. Collection method: clinical testing. Allele origin: germline.
Comment: This variant was observed as part of a predisposition screen in an ostensibly healthy population. A literature search was performed for the gene, cDNA change, and amino acid change (where applicable). No publications were found based on this search. Allele frequency data from public databases was too high to be consistent with this variant causing disease. Therefore, this variant is classified as benign.

Illumina Laboratory Services, Illumina
Classification: Uncertain significance for GNE myopathy. Last evaluated: 2017-04-27. Review status: criteria provided, single submitter. Criteria: ICSL Variant Classification Criteria 13 December 2019. Collection method: clinical testing. Allele origin: germline.

Eurofins Ntd Llc (ga)
Classification: Uncertain significance. Last evaluated: 2016-08-08. Review status: criteria provided, single submitter. Criteria: EGL Classification Definitions 2015. Collection method: clinical testing. Allele origin: germline. Observed: 1 variant allele, 1 heterozygote.

Natera, Inc.
Classification: Uncertain significance for Nonaka myopathy. Last evaluated: 2020-01-07. Review status: no assertion criteria provided. Collection method: clinical testing. Allele origin: germline. Not counted in ClinVar's aggregate classification.